The following is an entry in ClinVar:

ClinVar aggregate classification (germline): Conflicting classifications of pathogenicity. Review status: criteria provided, conflicting classifications (1 of 4 stars). 3 submissions from 2 submitters: Uncertain significance (2); Likely benign (1). Last evaluated 2023-02-13.

Conditions:
Tangier disease (TGD). Also called: HIGH DENSITY LIPOPROTEIN DEFICIENCY, TANGIER TYPE; HIGH DENSITY LIPOPROTEIN DEFICIENCY, TYPE 1; Cholesterol thesaurismosis. Identifiers: Orphanet 31150, MedGen C0039292, MONDO:0008783, OMIM 205400.
Hypoalphalipoproteinemia, primary, 1. Identifiers: Orphanet 425, MedGen C5231558, MONDO:0011393, OMIM 604091.

Allele frequency attached by ClinVar (database versions not stated): ExAC 0.00002; gnomAD exomes 0.00002 and 0.00003; gnomAD 0.00003; TOPMed 0.00003.
gnomAD v4.1: 48 of 1,613,964 alleles (0.003%); highest among the groups gnomAD compares: Non-Finnish European, 0.0037%; no homozygotes.

Submissions (3):

Women's Health and Genetics/Laboratory Corporation of America, LabCorp
Classification: Uncertain significance. Last evaluated: 2023-02-13. Review status: criteria provided, single submitter. Criteria: LabCorp Variant Classification Summary - May 2015. Collection method: clinical testing. Allele origin: germline.
Comment: Variant summary: ABCA1 c.6184G>A (p.Gly2062Arg) results in a non-conservative amino acid change located in the ABC transporter-like, ATP-binding domain (IPR003439) of the encoded protein sequence. Three of five in-silico tools predict a damaging effect of the variant on protein function. The variant allele was found at a frequency of 2e-05 in 251418 control chromosomes (gnomAD). The available data on variant occurrences in the general population are insufficient to allow any conclusion about variant significance. To our knowledge, no occurrence of c.6184G>A in individuals affected with Early Onset Coronary Artery Disease and no experimental evidence demonstrating its impact on protein function have been reported. One clinical diagnostic laboratory has submitted clinical-significance assessments for this variant to ClinVar after 2014 without evidence for independent evaluation and classified the variant as likely benign/VUS. Based on the evidence outlined above, the variant was classified as uncertain significance.

Illumina Laboratory Services, Illumina
Classification: Likely benign for Hypoalphalipoproteinemia, primary, 1. Last evaluated: 2018-01-13. Review status: criteria provided, single submitter. Criteria: ICSL Variant Classification Criteria 13 December 2019. Collection method: clinical testing. Allele origin: germline.
Comment: This variant was observed in the ICSL laboratory as part of a predisposition screen in an ostensibly healthy population. It had not been previously curated by ICSL or reported in the Human Gene Mutation Database (HGMD: prior to June 1st, 2018), and was therefore a candidate for classification through an automated scoring system. Utilizing variant allele frequency, disease prevalence and penetrance estimates, and inheritance mode, an automated score was calculated to assess if this variant is too frequent to cause the disease. Based on the score and internal cut-off values, a variant classified as likely benign is not then subjected to further curation. The score for this variant resulted in a classification of likely benign for this disease.

Illumina Laboratory Services, Illumina
Classification: Uncertain significance for Tangier disease. Last evaluated: 2018-01-13. Review status: criteria provided, single submitter. Criteria: ICSL Variant Classification Criteria 13 December 2019. Collection method: clinical testing. Allele origin: germline.

Literature cited by the submitters: PubMed 26350511 (cited by Women's Health and Genetics/Laboratory Corporation of America, LabCorp).

NM_005502.4(ABCA1):c.6184G>A (p.Gly2062Arg)

Genes: ABCA1 (ATP binding cassette subfamily A member 1; minus strand), NIPSNAP3B (nipsnap homolog 3B; plus strand). Cytogenetic location: 9q31.1.
Variant type: single nucleotide variant.
Coding change: c.6184G>A on transcript NM_005502.4 (MANE Select); coding-DNA position 6184, G replaced by A.
Protein change: p.Gly2062Arg; replaces glycine 2062 with arginine.
Molecular consequence: missense variant.
Genome position (GRCh38, 1-based): chr9:104,787,940, C>T on the plus strand (G>A on the coding strand, the complement: ABCA1 is on the minus strand). VCF-style: chr9-104787940-C-T. GRCh37 (hg19) VCF-style: chr9-107550221-C-T.
Other names: short protein forms G2062R.
Identifiers: ClinVar variation 364380 (VCV000364380.6), dbSNP rs752051518, ClinGen allele CA5167616.